The following is an entry in ClinVar:

NM_000179.3(MSH6):c.1502_2270del (p.His501fs)

Gene: MSH6 (mutS homolog 6; plus strand). Cytogenetic location: 2p16.3.
Variant type: Deletion.
Coding change: c.1502_2270del on transcript NM_000179.3 (MANE Select); coding-DNA positions 1502 to 2270, 769 bases deleted.
Protein change: p.His501fs; shifts the reading frame from histidine 501.
Molecular consequence: frameshift variant. On other transcripts: non-coding transcript variant (4), splice donor variant (1), intron variant (1).
Genome position (GRCh38, 1-based): chr2:47,799,485-47,800,253, 769 bases deleted. GRCh37 (hg19): chr2:48,026,624-48,027,392.
Other names: c.1112_1880del, p.His371fs (NM_001281492.2); c.596_1364del, p.His199fs (NM_001281493.2, NM_001281494.2, NM_001406811.1 and 6 more transcripts); c.1598_2366del, p.His533fs (NM_001406795.1, NM_001406802.1); c.1502_2270del, p.His501fs (NM_001406796.1, NM_001406798.1, NM_001406800.1 and 3 more transcripts); c.1205_1973del, p.His402fs (NM_001406797.1, NM_001406801.1, NM_001406805.1 and 10 more transcripts); c.977_1745del, p.His326fs (NM_001406799.1, NM_001406806.1, NM_001406807.1); c.1424_2192del, p.His475fs (NM_001406804.1); c.1508_2276del, p.His503fs (NM_001406813.1); and 3 more; short protein forms H326fs, H475fs, H503fs, H533fs, H199fs, H371fs, H501fs, H402fs.
Identifiers: ClinVar variation 3296363 (VCV003296363.1).

ClinVar aggregate classification (germline): Pathogenic (1 of 4 stars; one submission).

Conditions:
Hereditary cancer-predisposing syndrome. Also called: Tumor predisposition; Hereditary Cancer Syndrome; Hereditary neoplastic syndrome; Neoplastic Syndromes, Hereditary. Identifiers: Orphanet 140162, MedGen C0027672, MeSH D009386, MONDO:0015356.

Submission:

Ambry Genetics
Classification: Pathogenic for Hereditary cancer-predisposing syndrome. Last evaluated: 2024-03-25. Review status: criteria provided, single submitter. Criteria: Ambry Variant Classification Scheme 2023. Collection method: clinical testing. Allele origin: germline.
Comment: The c.1502_2270del769 gross deletion includes a portion of coding exon 4 in the MSH6 gene. This alteration is expected to result in loss of function due to an abnormal transcript, a translational frameshift leading to premature truncation, or nonsense-mediated mRNA decay. As such, this alteration is interpreted as a disease-causing mutation.